The following is an entry in ClinVar:

ClinVar aggregate classification (germline): Uncertain significance (1 of 4 stars; one submission).

Submission:

GeneDx
Classification: Uncertain significance. Last evaluated: 2025-07-16. Review status: criteria provided, single submitter. Criteria: GeneDx Variant Classification Process June 2021. Collection method: clinical testing. Allele origin: germline. Affected: yes.
Comment: Not observed at significant frequency in large population cohorts (gnomAD); In silico analysis supports that this missense variant has a deleterious effect on protein structure/function; Has not been previously published as pathogenic or benign to our knowledge

NM_004473.4(FOXE1):c.398C>T (p.Ala133Val)

Gene: FOXE1 (forkhead box E1; plus strand). Cytogenetic location: 9q22.33.
Variant type: single nucleotide variant.
Coding change: c.398C>T on transcript NM_004473.4 (MANE Select); coding-DNA position 398, C replaced by T.
Protein change: p.Ala133Val; replaces alanine 133 with valine.
Molecular consequence: missense variant.
Genome position (GRCh38, 1-based): chr9:97,854,312, C>T. VCF-style: chr9-97854312-C-T. GRCh37 (hg19) VCF-style: chr9-100616594-C-T.
Other names: short protein forms A133V.
Identifiers: ClinVar variation 4686297 (VCV004686297.1).